The following is an entry in ClinVar:

NM_000088.4(COL1A1):c.800dup (p.His267fs)

Genes: COL1A1 (collagen type I alpha 1 chain; minus strand), LOC126862586 (CDK7 strongly-dependent group 2 enhancer GRCh37_chr17:48273702-48274901; plus strand). Cytogenetic location: 17q21.33.
Variant type: Duplication.
Coding change: c.800dup on transcript NM_000088.4 (MANE Select); coding-DNA position 800, one base duplicated (A; older notation c.800dupA).
Protein change: p.His267fs; shifts the reading frame from histidine 267.
Molecular consequence: frameshift variant.
Genome position (GRCh38, 1-based): chr17:50,197,014, T duplicated on the plus strand (A on the coding strand, the reverse complement: COL1A1 is on the minus strand). VCF-style (leftmost placement, unchanged base first): chr17-50197013-G-GT. GRCh37 (hg19) VCF-style: chr17-48274374-G-GT.
Other names: short protein forms H267fs.
Identifiers: ClinVar variation 2742295 (VCV002742295.3), dbSNP rs2509240583, ClinGen allele CA2697560373.
Genomic context (GRCh38, chr17:50,197,013, plus strand): 5'-ACTGGATGGGGGTATGCTAGGGACTTGGGGAGCTTAAATGACTCAAAGGTGACTCACTCT[G>GT]TGTCCCTTCATTCCAGGGAGGCCAGCTGTTCCGGGCAATCCTCGAGCACCCTGGAGAGAG-3'

ClinVar aggregate classification (germline): Pathogenic (1 of 4 stars; one submission).

Conditions:
Osteogenesis imperfecta type I (OI1). Also called: Lobstein's Disease; Lobstein disease; OI, TYPE I; OSTEOGENESIS IMPERFECTA TARDA; OSTEOGENESIS IMPERFECTA WITH BLUE SCLERAE; Osteogenesis imperfecta type 1. Identifiers: Orphanet 216796, Orphanet 666, MedGen C0023931, MONDO:0008146, OMIM 166200. Disease mechanism: loss of function.

Submission:

Labcorp Genetics (formerly Invitae), Labcorp
Classification: Pathogenic for Osteogenesis imperfecta type I. Last evaluated: 2022-12-07. Review status: criteria provided, single submitter. Criteria: Invitae Variant Classification Sherloc (09022015). Collection method: clinical testing. Allele origin: germline.
Comment: This variant is not present in population databases (gnomAD no frequency). For these reasons, this variant has been classified as Pathogenic. This variant has not been reported in the literature in individuals affected with COL1A1-related conditions. This sequence change creates a premature translational stop signal (p.His267Glnfs*20) in the COL1A1 gene. It is expected to result in an absent or disrupted protein product. Loss-of-function variants in COL1A1 are known to be pathogenic (PMID: 7942841, 9295084, 9443882).

Literature cited by the submitters: PubMed 7942841; PubMed 9295084; PubMed 9443882.